The following is an entry in ClinVar:

NM_001148.6(ANK2):c.7971C>T (p.Ser2657=)

Genes: ANK2 (ankyrin 2; plus strand), LOC126807137 (CDK7 strongly-dependent group 2 enhancer GRCh37_chr4:114276560-114277759; plus strand). Cytogenetic location: 4q26.
Variant type: single nucleotide variant.
Coding change: c.7971C>T on transcript NM_001148.6 (MANE Select); coding-DNA position 7971, C replaced by T.
Protein change: p.Ser2657=; no amino-acid change (serine 2657 retained).
Molecular consequence: synonymous variant. On other transcripts: intron variant (68).
Genome position (GRCh38, 1-based): chr4:113,356,589, C>T. VCF-style: chr4-113356589-C-T. GRCh37 (hg19) VCF-style: chr4-114277745-C-T.
Other names: c.7737C>T, p.Ser2579= (NM_001386142.1); c.4371C>T, p.Ser1457= (NM_001386166.1); c.8112C>T, p.Ser2704= (NM_001386174.1); c.8088C>T, p.Ser2696= (NM_001386175.1); c.4412-4234C>T (NM_001386186.2, NM_001386148.2); c.4214-4234C>T (NM_001354269.3); c.4292-4234C>T (NM_001386187.2); c.4253-4234C>T (NM_001386147.1); and 36 more.
Identifiers: ClinVar variation 506540 (VCV000506540.21), dbSNP rs146085234, ClinGen allele CA3051690.

ClinVar aggregate classification (germline): Benign/Likely benign. Review status: criteria provided, multiple submitters, no conflicts (2 of 4 stars). 8 submissions from 8 submitters: Benign (3); Likely benign (5). Last evaluated 2026-02-02.

Conditions:
Cardiac arrhythmia, ankyrin-B-related. Also called: ANKYRIN-B SYNDROME. Identifiers: Orphanet 101016, Orphanet 768, MedGen C1970119, MONDO:0010958, OMIM 600919.
Cardiovascular phenotype. Identifiers: MedGen CN230736.
Long QT syndrome (LQTS). Identifiers: MedGen C0023976, MeSH D008133, MONDO:0002442. Disease mechanism: loss of function. Inheritance: Various modes of inheritance.

Allele frequency attached by ClinVar (database versions not stated): gnomAD 0.00051; ESP Exome Variant Server 0.00077; TOPMed 0.00079.
gnomAD v4.1: 186 of 1,613,958 alleles (0.012%); highest among the groups gnomAD compares: African/African-American, 0.23%; 1 homozygote.

Submissions (8):

Labcorp Genetics (formerly Invitae), Labcorp
Classification: Benign for Long QT syndrome. Last evaluated: 2026-02-02. Review status: criteria provided, single submitter. Criteria: Invitae Variant Classification Sherloc (09022015). Collection method: clinical testing. Allele origin: germline.

Molecular Diagnostic Laboratory for Inherited Cardiovascular Disease, Montreal Heart Institute
Classification: Likely benign. Last evaluated: 2025-04-09. Review status: criteria provided, single submitter. Criteria: ACMG Guidelines, 2015. Collection method: clinical testing. Allele origin: germline. Affected: no.
Comment: BP6;BP7

Blueprint Genetics
Classification: Likely benign. Last evaluated: 2024-09-09. Review status: criteria provided, single submitter. Criteria: ACMG Guidelines, 2015. Collection method: clinical testing. Allele origin: germline.

Women's Health and Genetics/Laboratory Corporation of America, LabCorp
Classification: Benign. Last evaluated: 2023-02-13. Review status: criteria provided, single submitter. Criteria: LabCorp Variant Classification Summary - May 2015. Collection method: clinical testing. Allele origin: germline.

Genome-Nilou Lab
Classification: Benign for Cardiac arrhythmia, ankyrin-B-related. Last evaluated: 2021-12-05. Review status: criteria provided, single submitter. Criteria: ACMG Guidelines, 2015. Collection method: clinical testing. Allele origin: germline. Affected: no.

Fulgent Genetics
Classification: Likely benign for Cardiac arrhythmia, ankyrin-B-related. Last evaluated: 2021-08-20. Review status: criteria provided, single submitter. Criteria: ACMG Guidelines, 2015. Collection method: clinical testing. Allele origin: unknown.

GeneDx
Classification: Likely benign. Last evaluated: 2019-03-28. Review status: criteria provided, single submitter. Criteria: GeneDx Variant Classification Process June 2021. Collection method: clinical testing. Allele origin: germline. Affected: yes.

Ambry Genetics
Classification: Likely benign for Cardiovascular phenotype. Last evaluated: 2017-12-22. Review status: criteria provided, single submitter. Criteria: Ambry Variant Classification Scheme 2023. Collection method: clinical testing. Allele origin: germline.